The following is an entry in ClinVar:

ClinVar aggregate classification (germline): Uncertain significance (1 of 4 stars; one submission).

Conditions:
Inborn genetic diseases. Identifiers: MedGen C0950123, MeSH D030342.

gnomAD v4.1: 2 of 1,614,136 alleles (0.00012%); highest among the groups gnomAD compares: Non-Finnish European, 0.00017%; no homozygotes.

Submission:

Ambry Genetics
Classification: Uncertain significance for Inborn genetic diseases. Last evaluated: 2025-01-24. Review status: criteria provided, single submitter. Criteria: Ambry Variant Classification Scheme 2023. Collection method: clinical testing. Allele origin: germline.
Comment: The p.S464A variant (also known as c.1390T>G), located in coding exon 5 of the MBD4 gene, results from a T to G substitution at nucleotide position 1390. The serine at codon 464 is replaced by alanine, an amino acid with similar properties. This amino acid position is conserved. In addition, the in silico prediction for this alteration is inconclusive. Based on the available evidence, the clinical significance of this variant remains unclear.

NM_001276270.2(MBD4):c.1390T>G (p.Ser464Ala)

Gene: MBD4 (methyl-CpG binding domain 4, DNA glycosylase; minus strand). Cytogenetic location: 3q21.3.
Variant type: single nucleotide variant.
Coding change: c.1390T>G on transcript NM_001276270.2 (MANE Select); coding-DNA position 1390, T replaced by G.
Protein change: p.Ser464Ala; replaces serine 464 with alanine.
Molecular consequence: missense variant.
Genome position (GRCh38, 1-based): chr3:129,433,853, A>C on the plus strand (T>G on the coding strand, the complement: MBD4 is on the minus strand). VCF-style: chr3-129433853-A-C. GRCh37 (hg19) VCF-style: chr3-129152696-A-C.
Other names: c.1408T>G, p.Ser470Ala (NM_001276271.2, NM_001276272.2, NM_003925.3); c.454T>G, p.Ser152Ala (NM_001276273.2); short protein forms S152A, S464A, S470A.
Identifiers: ClinVar variation 3870912 (VCV003870912.1).